The following is an entry in ClinVar:

ClinVar aggregate classification (germline): Pathogenic/Likely pathogenic. Review status: criteria provided, multiple submitters, no conflicts (2 of 4 stars). 4 submissions from 4 submitters: Pathogenic (1); Likely pathogenic (2). 1 of the submissions does not count toward it. Last evaluated 2021-09-16.

Conditions:
Clark-Baraitser syndrome. Also called: MENTAL RETARDATION, AUTOSOMAL DOMINANT 49; BARAITSER SYNDROME; Mental retardation, tall stature, obesity, macrocephaly and typical facial features; Intellectual disability, autosomal dominant 49. Identifiers: Orphanet 600731, MedGen C2931130, MONDO:0030914, OMIM 617752.
Intellectual disability. Also called: Intellectual functioning disability; Intellectual developmental disorder; intellectual disabilities. Identifiers: MedGen C3714756, MeSH D008607, MONDO:0001071, HP:0001249.

Submissions (4):

GeneDx
Classification: Pathogenic. Last evaluated: 2021-09-16. Review status: criteria provided, single submitter. Criteria: GeneDx Variant Classification Process June 2021. Collection method: clinical testing. Allele origin: germline. Affected: yes.
Comment: Nonsense variant predicted to result in protein truncation or nonsense mediated decay in a gene for which loss-of-function is a known mechanism of disease; Not observed in large population cohorts (Lek et al., 2016); Identified in a patient with an unspecified neurological and developmental disorder in the published literature (Turro et al., 2020); This variant is associated with the following publications: (PMID: 32581362)

Institute of Medical Genetics and Applied Genomics, University Hospital Tübingen
Classification: Likely pathogenic. Last evaluated: 2020-10-23. Review status: criteria provided, single submitter. Criteria: ACMG Guidelines, 2015. Collection method: clinical testing. Allele origin: germline. Inheritance: Unknown mechanism. Affected: yes.

Juno Genomics, Hangzhou Juno Genomics, Inc
Classification: Likely pathogenic for Clark-Baraitser syndrome. Review status: criteria provided, single submitter. Criteria: ACMG Guidelines, 2015. Collection method: clinical testing. Allele origin: germline. Affected: yes.
Comment: Absent from controls (or at extremely low frequency if recessive) in Genome Aggregation Database, Exome Sequencing Project, 1000 Genomes Project, or Exome Aggregation Consortium.;Null variant in a gene where loss of function (LOF) is a known mechanism of disease.

NIHR Bioresource Rare Diseases, University of Cambridge
Classification: Likely pathogenic for Intellectual disability. Review status: no assertion criteria provided. Collection method: research. Allele origin: unknown. Affected: yes. Observed: 1 variant allele. Not counted in ClinVar's aggregate classification.

Literature cited by the submitters: PubMed 32581362 (cited by NIHR Bioresource Rare Diseases, University of Cambridge).

NM_001348323.3(TRIP12):c.4903C>T (p.Arg1635Ter)

Gene: TRIP12 (thyroid hormone receptor interactor 12; minus strand). Cytogenetic location: 2q36.3.
Variant type: single nucleotide variant.
Coding change: c.4903C>T on transcript NM_001348323.3 (MANE Select); coding-DNA position 4903, C replaced by T.
Protein change: p.Arg1635Ter; replaces arginine 1635 with a stop codon.
Molecular consequence: nonsense.
Genome position (GRCh38, 1-based): chr2:229,787,597, G>A on the plus strand (C>T on the coding strand, the complement: TRIP12 is on the minus strand). VCF-style: chr2-229787597-G-A. GRCh37 (hg19) VCF-style: chr2-230652313-G-A.
Other names: c.4822C>T, p.Arg1608Ter (NM_001284214.2, NM_001348315.2); c.4777C>T, p.Arg1593Ter (NM_001284215.2, NM_001348316.2); c.3868C>T, p.Arg1290Ter (NM_001284216.2); c.4762C>T, p.Arg1588Ter (NM_001348317.1, NM_001348318.2); c.4888C>T, p.Arg1630Ter (NM_001348319.1, NM_001348320.2); c.4891C>T, p.Arg1631Ter (NM_001348321.1); c.4903C>T, p.Arg1635Ter (NM_001348322.1, NM_001348324.2, NM_001348325.2 and 2 more transcripts); c.4906C>T, p.Arg1636Ter (NM_001348328.1, NM_001348329.2, NM_001348330.2); and 4 more; short protein forms R1561*, R1608*, R1609*, R1630*, R1290*, R1560*, R1588*, R1631*.
Identifiers: ClinVar variation 812759 (VCV000812759.6), dbSNP rs1574994308, ClinGen allele CA350892810.